The following is an entry in ClinVar:

ClinVar aggregate classification (germline): Pathogenic (1 of 4 stars; one submission).

Conditions:
Glycine encephalopathy. Also called: Non-ketotic hyperglycinemia; Nonketotic hyperglycinemia. Identifiers: Orphanet 407, MedGen C0751748, MONDO:0011612, HP:0008288.

Submission:

Labcorp Genetics (formerly Invitae), Labcorp
Classification: Pathogenic for Glycine encephalopathy. Last evaluated: 2022-09-13. Review status: criteria provided, single submitter. Criteria: Invitae Variant Classification Sherloc (09022015). Collection method: clinical testing. Allele origin: germline.
Comment: This sequence change creates a premature translational stop signal (p.Cys382Valfs*35) in the GLDC gene. It is expected to result in an absent or disrupted protein product. Loss-of-function variants in GLDC are known to be pathogenic (PMID: 16601880). This variant is not present in population databases (gnomAD no frequency). For these reasons, this variant has been classified as Pathogenic. This variant has not been reported in the literature in individuals affected with GLDC-related conditions.

Literature cited by the submitters: PubMed 16601880.

NM_000170.3(GLDC):c.1143del (p.Cys382fs)

Gene: GLDC (glycine decarboxylase; minus strand). Cytogenetic location: 9p24.1.
Variant type: Deletion.
Coding change: c.1143del on transcript NM_000170.3 (MANE Select); coding-DNA position 1143, one base deleted (C; older notation c.1143delC).
Protein change: p.Cys382fs; shifts the reading frame from cysteine 382.
Molecular consequence: frameshift variant.
Genome position (GRCh38, 1-based): chr9:6,602,121, G deleted on the plus strand (C on the coding strand, the reverse complement: GLDC is on the minus strand). VCF-style (leftmost placement, unchanged base first): chr9-6602120-AG-A. GRCh37 (hg19) VCF-style: chr9-6602120-AG-A.
Other names: c.1143delC, p.Cys382Valfs (NM_000170.2); short protein forms C382fs.
Identifiers: ClinVar variation 2030292 (VCV002030292.5), dbSNP rs2489098058, ClinGen allele CA2580080227.